The following is an entry in ClinVar:

NM_203446.3(SYNJ1):c.2165A>C (p.His722Pro)

Gene: SYNJ1 (synaptojanin 1; minus strand). Cytogenetic location: 21q22.11.
Variant type: single nucleotide variant.
Coding change: c.2165A>C on transcript NM_203446.3 (MANE Select); coding-DNA position 2165, A replaced by C.
Protein change: p.His722Pro; replaces histidine 722 with proline.
Molecular consequence: missense variant.
Genome position (GRCh38, 1-based): chr21:32,665,052, T>G on the plus strand (A>C on the coding strand, the complement: SYNJ1 is on the minus strand). VCF-style: chr21-32665052-T-G. GRCh37 (hg19) VCF-style: chr21-34037362-T-G.
Other names: c.2165A>C, p.His722Pro (NM_001160302.2); c.2150A>C, p.His717Pro (NM_001160306.2); c.2282A>C, p.His761Pro (NM_003895.4); short protein forms H761P, H717P, H722P.
Identifiers: ClinVar variation 1387280 (VCV001387280.6), dbSNP rs867547488, ClinGen allele CA319429938.

ClinVar aggregate classification (germline): Uncertain significance (1 of 4 stars; one submission).

Conditions:
Developmental and epileptic encephalopathy, 53. Also called: Epileptic encephalopathy, early infantile, 53. Identifiers: MedGen C4479313, MONDO:0033362, OMIM 617389.
Early-onset Parkinson disease 20. Also called: PARKINSON DISEASE 20, AUTOSOMAL RECESSIVE EARLY-ONSET. Identifiers: Orphanet 391411, MedGen C3809824, MONDO:0014233, OMIM 615530.

Allele frequency attached by ClinVar (database versions not stated): gnomAD 0.00001.
gnomAD v4.1: 1 of 1,600,112 alleles (0.000062%); highest among the groups gnomAD compares: African/African-American, 0.0013%; no homozygotes.

Submission:

Labcorp Genetics (formerly Invitae), Labcorp
Classification: Uncertain significance for Developmental and epileptic encephalopathy, 53; Early-onset Parkinson disease 20. Last evaluated: 2023-08-17. Review status: criteria provided, single submitter. Criteria: Invitae Variant Classification Sherloc (09022015). Collection method: clinical testing. Allele origin: germline.
Comment: This sequence change replaces histidine, which is basic and polar, with proline, which is neutral and non-polar, at codon 761 of the SYNJ1 protein (p.His761Pro). In summary, the available evidence is currently insufficient to determine the role of this variant in disease. Therefore, it has been classified as a Variant of Uncertain Significance. Advanced modeling of protein sequence and biophysical properties (such as structural, functional, and spatial information, amino acid conservation, physicochemical variation, residue mobility, and thermodynamic stability) performed at Invitae indicates that this missense variant is expected to disrupt SYNJ1 protein function. ClinVar contains an entry for this variant (Variation ID: 1387280). This variant has not been reported in the literature in individuals affected with SYNJ1-related conditions. This variant is not present in population databases (gnomAD no frequency).